The following is an entry in ClinVar:

ClinVar aggregate classification (germline): Uncertain significance. Review status: criteria provided, multiple submitters, no conflicts (2 of 4 stars). 2 submissions from 2 submitters: Uncertain significance (2). Last evaluated 2023-09-23.

Conditions:
DICER1-related tumor predisposition. Also called: DICER1 syndrome; DICER1-related pleuropulmonary blastoma cancer predisposition syndrome. Identifiers: Orphanet 284343, MedGen C3839822, MONDO:0100216.
Hereditary cancer-predisposing syndrome. Also called: Tumor predisposition; Hereditary neoplastic syndrome; Neoplastic Syndromes, Hereditary; Hereditary Cancer Syndrome. Identifiers: Orphanet 140162, MedGen C0027672, MeSH D009386, MONDO:0015356.

Allele frequency attached by ClinVar (database versions not stated): gnomAD exomes below 0.00001.
gnomAD v4.1: 1 of 1,613,878 alleles (0.000062%); highest among the groups gnomAD compares: Non-Finnish European, 0.000085%; no homozygotes.

Submissions (2):

Ambry Genetics
Classification: Uncertain significance for Hereditary cancer-predisposing syndrome. Last evaluated: 2023-09-23. Review status: criteria provided, single submitter. Criteria: Ambry Variant Classification Scheme 2023. Collection method: clinical testing. Allele origin: germline.
Comment: The p.L890S variant (also known as c.2669T>C), located in coding exon 16 of the DICER1 gene, results from a T to C substitution at nucleotide position 2669. The leucine at codon 890 is replaced by serine, an amino acid with dissimilar properties. This amino acid position is conserved. In addition, this alteration is predicted to be deleterious by in silico analysis. Since supporting evidence is limited at this time, the clinical significance of this alteration remains unclear.

Labcorp Genetics (formerly Invitae), Labcorp
Classification: Uncertain significance for DICER1-related tumor predisposition. Last evaluated: 2021-03-22. Review status: criteria provided, single submitter. Criteria: Invitae Variant Classification Sherloc (09022015). Collection method: clinical testing. Allele origin: germline.
Comment: In summary, the available evidence is currently insufficient to determine the role of this variant in disease. Therefore, it has been classified as a Variant of Uncertain Significance. Algorithms developed to predict the effect of missense changes on protein structure and function are either unavailable or do not agree on the potential impact of this missense change (SIFT: "Tolerated"; PolyPhen-2: "Probably Damaging"; Align-GVGD: "Class C15"). This variant has not been reported in the literature in individuals with DICER1-related conditions. This variant is not present in population databases (ExAC no frequency). This sequence change replaces leucine with serine at codon 890 of the DICER1 protein (p.Leu890Ser). The leucine residue is highly conserved and there is a large physicochemical difference between leucine and serine.

NM_177438.3(DICER1):c.2669T>C (p.Leu890Ser)

Gene: DICER1 (dicer 1, ribonuclease III; minus strand). Cytogenetic location: 14q32.13.
Variant type: single nucleotide variant.
Coding change: c.2669T>C on transcript NM_177438.3 (MANE Select); coding-DNA position 2669, T replaced by C.
Protein change: p.Leu890Ser; replaces leucine 890 with serine.
Molecular consequence: missense variant.
Genome position (GRCh38, 1-based): chr14:95,107,743, A>G on the plus strand (T>C on the coding strand, the complement: DICER1 is on the minus strand). VCF-style: chr14-95107743-A-G. GRCh37 (hg19) VCF-style: chr14-95574080-A-G.
Other names: c.2669T>C (NM_177438.2); c.2669T>C, p.Leu890Ser (NM_001195573.1, NM_001271282.3, NM_001291628.2 and 1 more transcripts); short protein forms L890S.
Identifiers: ClinVar variation 1379881 (VCV001379881.10), dbSNP rs2140020407, ClinGen allele CA390880870.
Genomic context (GRCh38, chr14:95,107,743, plus strand): 5'-GGAATGCCTATGCGAGCTTCAGACTTCTCAATATCTTCCATGAATTTAAAGTCAATATCC[A>G]AAGTGCTGGAGTCATTAACTTAGAAGAGAAAAACGACTCTTTAGCTTGTTAAAACATGAT-3'
Protein context (NP_803187.1, residues 880-900): PLNVVNDSST[Leu890Ser]DIDFKFMEDI